The following is an entry in ClinVar:

NM_003106.4(SOX2):c.790C>A (p.Pro264Thr)

Genes: SOX2 (SRY-box transcription factor 2; plus strand), SOX2-OT (SOX2 overlapping transcript; plus strand). Cytogenetic location: 3q26.33.
Variant type: single nucleotide variant.
Coding change: c.790C>A on transcript NM_003106.4 (MANE Select); coding-DNA position 790, C replaced by A.
Protein change: p.Pro264Thr; replaces proline 264 with threonine.
Molecular consequence: missense variant.
Genome position (GRCh38, 1-based): chr3:181,713,150, C>A. VCF-style: chr3-181713150-C-A. GRCh37 (hg19) VCF-style: chr3-181430938-C-A.
Other names: short protein forms P264T.
Identifiers: ClinVar variation 2515667 (VCV002515667.5), dbSNP rs1383014223, ClinGen allele CA355474655.

ClinVar aggregate classification (germline): Uncertain significance. Review status: criteria provided, multiple submitters, no conflicts (2 of 4 stars). 2 submissions from 2 submitters: Uncertain significance (2). Last evaluated 2023-06-28.

Conditions:
Inborn genetic diseases. Identifiers: MedGen C0950123, MeSH D030342.
Anophthalmia/microphthalmia-esophageal atresia syndrome (MCOPS3). Also called: MICROPHTHALMIA AND ESOPHAGEAL ATRESIA SYNDROME; SOX2 Disorder; AEG SYNDROME. Identifiers: Orphanet 77298, MedGen C1859773, MONDO:0008799, OMIM 206900.

gnomAD v4.1: 2 of 1,613,660 alleles (0.00012%); highest among the groups gnomAD compares: East Asian, 0.0045%; no homozygotes.

Submissions (2):

Labcorp Genetics (formerly Invitae), Labcorp
Classification: Uncertain significance for Anophthalmia/microphthalmia-esophageal atresia syndrome. Last evaluated: 2023-06-28. Review status: criteria provided, single submitter. Criteria: Invitae Variant Classification Sherloc (09022015). Collection method: clinical testing. Allele origin: germline.
Comment: In summary, the available evidence is currently insufficient to determine the role of this variant in disease. Therefore, it has been classified as a Variant of Uncertain Significance. Advanced modeling of protein sequence and biophysical properties (such as structural, functional, and spatial information, amino acid conservation, physicochemical variation, residue mobility, and thermodynamic stability) performed at Invitae indicates that this missense variant is not expected to disrupt SOX2 protein function. This variant has not been reported in the literature in individuals affected with SOX2-related conditions. The frequency data for this variant in the population databases is considered unreliable, as metrics indicate poor data quality at this position in the gnomAD database. This sequence change replaces proline, which is neutral and non-polar, with threonine, which is neutral and polar, at codon 264 of the SOX2 protein (p.Pro264Thr).

Ambry Genetics
Classification: Uncertain significance for Inborn genetic diseases. Last evaluated: 2023-05-03. Review status: criteria provided, single submitter. Criteria: Ambry Variant Classification Scheme 2023. Collection method: clinical testing. Allele origin: germline.